The following is an entry in ClinVar:

NM_024675.4(PALB2):c.2881C>A (p.Leu961Met)

Gene: PALB2 (partner and localizer of BRCA2; minus strand). Cytogenetic location: 16p12.2.
Variant type: single nucleotide variant.
Coding change: c.2881C>A on transcript NM_024675.4 (MANE Select); coding-DNA position 2881, C replaced by A.
Protein change: p.Leu961Met; replaces leucine 961 with methionine.
Molecular consequence: missense variant.
Genome position (GRCh38, 1-based): chr16:23,623,084, G>T on the plus strand (C>A on the coding strand, the complement: PALB2 is on the minus strand). VCF-style: chr16-23623084-G-T. GRCh37 (hg19) VCF-style: chr16-23634405-G-T.
Other names: p.Leu961Met; short protein forms L961M.
Identifiers: ClinVar variation 241554 (VCV000241554.19), dbSNP rs61755166, ClinGen allele CA10583354.

ClinVar aggregate classification (germline): Uncertain significance. Review status: criteria provided, multiple submitters, no conflicts (2 of 4 stars). 4 submissions from 4 submitters: Uncertain significance (4). Last evaluated 2025-12-23.

Conditions:
Hereditary cancer-predisposing syndrome. Also called: Tumor predisposition; Neoplastic Syndromes, Hereditary; Hereditary Cancer Syndrome; Hereditary neoplastic syndrome. Identifiers: Orphanet 140162, MedGen C0027672, MeSH D009386, MONDO:0015356.
Familial cancer of breast. Also called: Hereditary breast cancer; BREAST CANCER, FAMILIAL; hereditary breast carcinoma. Identifiers: Orphanet 227535, MedGen C0346153, MONDO:0016419, OMIM 114480. Disease mechanism: loss of function.

Allele frequency attached by ClinVar (database versions not stated): TOPMed 0.00001.
gnomAD v4.1: 3 of 1,613,754 alleles (0.00019%); highest among the groups gnomAD compares: Non-Finnish European, 0.00025%; no homozygotes.

Submissions (4):

Labcorp Genetics (formerly Invitae), Labcorp
Classification: Uncertain significance for Familial cancer of breast. Last evaluated: 2025-12-23. Review status: criteria provided, single submitter. Criteria: Invitae Variant Classification Sherloc (09022015). Collection method: clinical testing. Allele origin: germline.
Comment: This sequence change replaces leucine, which is neutral and non-polar, with methionine, which is neutral and non-polar, at codon 961 of the PALB2 protein (p.Leu961Met). This variant is not present in population databases (gnomAD no frequency). This variant has not been reported in the literature in individuals affected with PALB2-related conditions. ClinVar contains an entry for this variant (Variation ID: 241554). Invitae Evidence Modeling of protein sequence and biophysical properties (such as structural, functional, and spatial information, amino acid conservation, physicochemical variation, residue mobility, and thermodynamic stability) indicates that this missense variant is expected to disrupt PALB2 protein function with a positive predictive value of 80%. In summary, the available evidence is currently insufficient to determine the role of this variant in disease. Therefore, it has been classified as a Variant of Uncertain Significance.

Ambry Genetics
Classification: Uncertain significance for Hereditary cancer-predisposing syndrome. Last evaluated: 2024-06-24. Review status: criteria provided, single submitter. Criteria: Ambry Variant Classification Scheme 2023. Collection method: clinical testing. Allele origin: germline.
Comment: The p.L961M variant (also known as c.2881C>A), located in coding exon 9 of the PALB2 gene, results from a C to A substitution at nucleotide position 2881. The leucine at codon 961 is replaced by methionine, an amino acid with highly similar properties. This amino acid position is well conserved in available vertebrate species. In addition, this alteration is predicted to be tolerated by in silico analysis. Since supporting evidence is limited at this time, the clinical significance of this alteration remains unclear.

Color Diagnostics, LLC DBA Color Health
Classification: Uncertain significance for Hereditary cancer-predisposing syndrome. Last evaluated: 2023-11-21. Review status: criteria provided, single submitter. Criteria: ACMG Guidelines, 2015. Collection method: clinical testing. Allele origin: germline.
Comment: This missense variant replaces leucine with methionine at codon 961 of the PALB2 protein. Computational prediction suggests that this variant may not impact protein structure and function. To our knowledge, functional studies have not been reported for this variant. This variant has not been reported in individuals affected with hereditary cancer in the literature. This variant has not been identified in the general population by the Genome Aggregation Database (gnomAD). The available evidence is insufficient to determine the role of this variant in disease conclusively. Therefore, this variant is classified as a Variant of Uncertain Significance.

Mayo Clinic Laboratories, Mayo Clinic
Classification: Uncertain significance. Last evaluated: 2023-05-17. Review status: criteria provided, single submitter. Criteria: ACMG Guidelines, 2015. Collection method: clinical testing. Allele origin: germline. Observed: 1 variant allele.
Comment: BP4, PM2